The following is an entry in ClinVar:

ClinVar aggregate classification (germline): Pathogenic (1 of 4 stars; one submission).

Submission:

Labcorp Genetics (formerly Invitae), Labcorp
Classification: Pathogenic. Last evaluated: 2024-09-10. Review status: criteria provided, single submitter. Criteria: Invitae Variant Classification Sherloc (09022015). Collection method: clinical testing. Allele origin: germline.
Comment: This sequence change creates a premature translational stop signal (p.Thr2162Lysfs*18) in the CEP250 gene. It is expected to result in an absent or disrupted protein product. Loss-of-function variants in CEP250 are known to be pathogenic (PMID: 24780881, 29718797). This variant is present in population databases (rs758890931, gnomAD 0.006%). This variant has not been reported in the literature in individuals affected with CEP250-related conditions. For these reasons, this variant has been classified as Pathogenic.

Literature cited by the submitters: PubMed 24780881; PubMed 29718797.

NM_007186.6(CEP250):c.6485_6488del (p.Thr2162fs)

Gene: CEP250 (centrosomal protein 250; plus strand). Cytogenetic location: 20q11.22.
Variant type: Microsatellite.
Coding change: c.6485_6488del on transcript NM_007186.6 (MANE Select); coding-DNA positions 6485 to 6488, 4 bases deleted (CAGA; older notation c.6485_6488delCAGA).
Protein change: p.Thr2162fs; shifts the reading frame from threonine 2162.
Molecular consequence: frameshift variant.
Genome position (GRCh38, 1-based): chr20:35,504,854-35,504,857, CAGA deleted; deleting any 4 consecutive bases within chr20:35,504,847-35,504,857 gives the same sequence; the c. name uses the placement nearest the transcript's 3' end. VCF-style (leftmost placement, unchanged base first): chr20-35504846-GAGAC-G. GRCh37 (hg19) VCF-style: chr20-34092674-GAGAC-G.
Other names: c.4589_4592del, p.Thr1530fs (NM_001318219.1); short protein forms T2162fs, T1530fs.
Identifiers: ClinVar variation 3689497 (VCV003689497.2).